The following is an entry in ClinVar:

ClinVar aggregate classification (germline): Pathogenic (1 of 4 stars; one submission).

Conditions:
Pyruvate kinase deficiency of red cells (CNSHA2). Also called: PK DEFICIENCY; PYRUVATE KINASE DEFICIENCY OF ERYTHROCYTE; Pyruvate kinase deficiency, Amish type. Identifiers: Orphanet 766, MedGen C0340968, MONDO:0009950, OMIM 266200.

gnomAD v4.1: 1 of 1,613,350 alleles (0.000062%); highest among the groups gnomAD compares: African/African-American, 0.0013%; no homozygotes.

Submission:

Variantyx, Inc.
Classification: Pathogenic for Pyruvate kinase deficiency of red cells. Last evaluated: 2025-12-31. Review status: criteria provided, single submitter. Criteria: Variantyx Assertion Criteria 2022. Collection method: clinical testing. Allele origin: germline. Inheritance: Autosomal recessive inheritance. Affected: no.
Comment: This is a nonsense variant in the PKLR gene (OMIM: 609712). Pathogenic variants in this gene have been associated with autosomal recessive pyruvate kinase deficiency. This variant introduces a premature termination codon in exon 11 out of 11 and it is expected to result in loss of function, which is a known disease mechanism for PKLR in this disorder (PMID: 9827908, 38666530) (PVS1). This variant has a 0.0050% maximum allele frequency in non-founder control populations (PM2_Supporting). Based on the current evidence, this variant is classified as pathogenic for autosomal recessive pyruvate kinase deficiency.

Literature cited by the submitters: PubMed 9827908; PubMed 38666530.

NM_000298.6(PKLR):c.1675C>A (p.Arg559=)

Gene: PKLR (pyruvate kinase L/R; minus strand). Cytogenetic location: 1q22.
Variant type: single nucleotide variant.
Coding change: c.1675C>A on transcript NM_000298.6 (MANE Select); coding-DNA position 1675, C replaced by A.
Protein change: p.Arg559=; no amino-acid change (arginine 559 retained).
Molecular consequence: synonymous variant.
Genome position (GRCh38, 1-based): chr1:155,290,622, G>T on the plus strand (C>A on the coding strand, the complement: PKLR is on the minus strand). VCF-style: chr1-155290622-G-T. GRCh37 (hg19) VCF-style: chr1-155260413-G-T.
Other names: c.1582C>A, p.Arg528= (NM_181871.4).
Identifiers: ClinVar variation 4852157 (VCV004852157.1).